The following is an entry in ClinVar:

NM_001286611.2(REPS1):c.1595G>A (p.Arg532His)

Gene: REPS1 (RALBP1 associated Eps domain containing 1; minus strand). Cytogenetic location: 6q24.1.
Variant type: single nucleotide variant.
Coding change: c.1595G>A on transcript NM_001286611.2 (MANE Select); coding-DNA position 1595, G replaced by A.
Protein change: p.Arg532His; replaces arginine 532 with histidine.
Molecular consequence: missense variant. On other transcripts: intron variant (1).
Genome position (GRCh38, 1-based): chr6:138,917,561, C>T on the plus strand (G>A on the coding strand, the complement: REPS1 is on the minus strand). VCF-style: chr6-138917561-C-T. GRCh37 (hg19) VCF-style: chr6-139238698-C-T.
Other names: c.1514G>A, p.Arg505His (NM_001128617.3); c.1592G>A, p.Arg531His (NM_031922.5); c.1447+2654G>A (NM_001286612.2); short protein forms R532H, R505H, R531H.
Identifiers: ClinVar variation 1898752 (VCV001898752.5), dbSNP rs771654246, ClinGen allele CA4024125.

ClinVar aggregate classification (germline): Uncertain significance (1 of 4 stars; one submission).

Allele frequency attached by ClinVar (database versions not stated): ExAC 0.00002; gnomAD exomes 0.00003.
gnomAD v4.1: 36 of 1,611,756 alleles (0.0022%); highest among the groups gnomAD compares: Middle Eastern, 0.016%; no homozygotes.

Submission:

Labcorp Genetics (formerly Invitae), Labcorp
Classification: Uncertain significance. Last evaluated: 2022-08-15. Review status: criteria provided, single submitter. Criteria: Invitae Variant Classification Sherloc (09022015). Collection method: clinical testing. Allele origin: germline.
Comment: In summary, the available evidence is currently insufficient to determine the role of this variant in disease. Therefore, it has been classified as a Variant of Uncertain Significance. Algorithms developed to predict the effect of missense changes on protein structure and function output the following: SIFT: "Tolerated"; PolyPhen-2: "Benign"; Align-GVGD: "Class C0". The histidine amino acid residue is found in multiple mammalian species, which suggests that this missense change does not adversely affect protein function. This variant has not been reported in the literature in individuals affected with REPS1-related conditions. This variant is present in population databases (rs771654246, gnomAD 0.005%). This sequence change replaces arginine, which is basic and polar, with histidine, which is basic and polar, at codon 532 of the REPS1 protein (p.Arg532His).